The following is an entry in ClinVar:

ClinVar aggregate classification (germline): Uncertain significance (1 of 4 stars; one submission).

Allele frequency attached by ClinVar (database versions not stated): TOPMed below 0.00001; gnomAD 0.00001.
gnomAD v4.1: 17 of 1,613,860 alleles (0.0011%); highest among the groups gnomAD compares: African/African-American, 0.0027%; no homozygotes.

Submission:

Labcorp Genetics (formerly Invitae), Labcorp
Classification: Uncertain significance. Last evaluated: 2023-05-29. Review status: criteria provided, single submitter. Criteria: Invitae Variant Classification Sherloc (09022015). Collection method: clinical testing. Allele origin: germline.
Comment: This sequence change creates a premature translational stop signal (p.Arg186*) in the SNIP1 gene. It is expected to result in an absent or disrupted protein product. However, the current clinical and genetic evidence is not sufficient to establish whether loss-of-function variants in SNIP1 cause disease. This variant is present in population databases (no rsID available, gnomAD 0.01%). In summary, the available evidence is currently insufficient to determine the role of this variant in disease. Therefore, it has been classified as a Variant of Uncertain Significance. This variant has not been reported in the literature in individuals affected with SNIP1-related conditions.

NM_024700.4(SNIP1):c.556C>T (p.Arg186Ter)

Genes: SNIP1 (Smad nuclear interacting protein 1; minus strand), LOC126805704 (BRD4-independent group 4 enhancer GRCh37_chr1:38005292-38006491; plus strand). Cytogenetic location: 1p34.3.
Variant type: single nucleotide variant.
Coding change: c.556C>T on transcript NM_024700.4 (MANE Select); coding-DNA position 556, C replaced by T.
Protein change: p.Arg186Ter; replaces arginine 186 with a stop codon.
Molecular consequence: nonsense.
Genome position (GRCh38, 1-based): chr1:37,540,527, G>A on the plus strand (C>T on the coding strand, the complement: SNIP1 is on the minus strand). VCF-style: chr1-37540527-G-A. GRCh37 (hg19) VCF-style: chr1-38006128-G-A.
Other names: short protein forms R186*.
Identifiers: ClinVar variation 2692818 (VCV002692818.3), dbSNP rs1237235034, ClinGen allele CA339451568.
Genomic context (GRCh38, chr1:37,540,527, plus strand): 5'-CCAACTCCTGAGACTCACTGCCGCCACCACCAACGTCATTCCTCTGGCGATGCTCCCGTC[G>A]CCTGGCATTATAAAACTCCCGCTCTTCTTCCTGAGCCTGCAGGTTCTGAGTGTCTCGATC-3'